The following is an entry in ClinVar:

NM_004104.5(FASN):c.2835G>C (p.Glu945Asp)

Gene: FASN (fatty acid synthase; minus strand). Cytogenetic location: 17q25.3.
Variant type: single nucleotide variant.
Coding change: c.2835G>C on transcript NM_004104.5 (MANE Select); coding-DNA position 2835, G replaced by C.
Protein change: p.Glu945Asp; replaces glutamic acid 945 with aspartic acid.
Molecular consequence: missense variant.
Genome position (GRCh38, 1-based): chr17:82,087,985, C>G on the plus strand (G>C on the coding strand, the complement: FASN is on the minus strand). VCF-style: chr17-82087985-C-G. GRCh37 (hg19) VCF-style: chr17-80045861-C-G.
Other names: c.2835G>C (NM_004104.4); short protein forms E945D.
Identifiers: ClinVar variation 1044756 (VCV001044756.10), dbSNP rs374021258, ClinGen allele CA8852627.

ClinVar aggregate classification (germline): Uncertain significance. Review status: criteria provided, multiple submitters, no conflicts (2 of 4 stars). 2 submissions from 2 submitters: Uncertain significance (2). Last evaluated 2025-01-27.

Conditions:
Epileptic encephalopathy. Identifiers: MedGen C0543888, HP:0200134.

Allele frequency attached by ClinVar (database versions not stated): ExAC 0.00002; gnomAD 0.00003; TOPMed 0.00003; ESP Exome Variant Server 0.00008.
gnomAD v4.1: 55 of 1,612,620 alleles (0.0034%); highest among the groups gnomAD compares: African/African-American, 0.0053%; no homozygotes.

Submissions (2):

Ambry Genetics
Classification: Uncertain significance. Last evaluated: 2025-01-27. Review status: criteria provided, single submitter. Criteria: Ambry Variant Classification Scheme 2023. Collection method: clinical testing. Allele origin: germline.

Labcorp Genetics (formerly Invitae), Labcorp
Classification: Uncertain significance for Epileptic encephalopathy. Last evaluated: 2025-01-06. Review status: criteria provided, single submitter. Criteria: Invitae Variant Classification Sherloc (09022015). Collection method: clinical testing. Allele origin: germline.
Comment: This sequence change replaces glutamic acid, which is acidic and polar, with aspartic acid, which is acidic and polar, at codon 945 of the FASN protein (p.Glu945Asp). This variant is present in population databases (rs374021258, gnomAD 0.007%). This variant has not been reported in the literature in individuals affected with FASN-related conditions. ClinVar contains an entry for this variant (Variation ID: 1044756). An algorithm developed to predict the effect of missense changes on protein structure and function (PolyPhen-2) suggests that this variant is likely to be disruptive. In summary, the available evidence is currently insufficient to determine the role of this variant in disease. Therefore, it has been classified as a Variant of Uncertain Significance.